The following is an entry in ClinVar:

NM_001165963.4(SCN1A):c.4999C>T (p.Leu1667Phe)

Genes: SCN1A (sodium voltage-gated channel alpha subunit 1; minus strand), LOC102724058 (uncharacterized LOC102724058; plus strand). Cytogenetic location: 2q24.3.
Variant type: single nucleotide variant.
Coding change: c.4999C>T on transcript NM_001165963.4 (MANE Select); coding-DNA position 4999, C replaced by T.
Protein change: p.Leu1667Phe; replaces leucine 1667 with phenylalanine.
Molecular consequence: missense variant. On other transcripts: non-coding transcript variant (1).
Genome position (GRCh38, 1-based): chr2:165,992,276, G>A on the plus strand (C>T on the coding strand, the complement: SCN1A is on the minus strand). VCF-style: chr2-165992276-G-A. GRCh37 (hg19) VCF-style: chr2-166848786-G-A.
Other names: p.L1667F:CTT>TTT; c.4915C>T, p.Leu1639Phe (NM_001165964.3, NM_001353957.2, NM_001353958.2); c.4999C>T, p.Leu1667Phe (NM_001202435.3, NM_001353948.2); c.4966C>T, p.Leu1656Phe (NM_001353949.2, NM_001353950.2, NM_001353951.2 and 2 more transcripts); c.4963C>T, p.Leu1655Phe (NM_001353954.2, NM_001353955.2); c.4912C>T, p.Leu1638Phe (NM_001353960.2); c.2557C>T, p.Leu853Phe (NM_001353961.2); short protein forms L1656F, L1667F, L1638F, L1639F, L853F, L1655F.
Identifiers: ClinVar variation 206856 (VCV000206856.2), dbSNP rs796053032, ClinGen allele CA317569.

ClinVar aggregate classification (germline): Likely pathogenic (1 of 4 stars; one submission).

Allele frequency attached by ClinVar (database versions not stated): gnomAD exomes below 0.00001.
gnomAD v4.1: 2 of 1,613,808 alleles (0.00012%); highest among the groups gnomAD compares: Non-Finnish European, 0.00017%; no homozygotes.

Submission:

GeneDx
Classification: Likely pathogenic. Last evaluated: 2014-12-29. Review status: criteria provided, single submitter. Criteria: GeneDx Variant Classification (06012015). Collection method: clinical testing. Allele origin: germline. Affected: yes.
Comment: p.Leu1667Phe (CTT>TTT): c.4999 C>T in exon 26 of the SCN1A gene (NM_001165963.1) The L1667F variant has not been published as a mutation, nor has it been reported as a benign polymorphism to our knowledge. It was not observed in approximately 6,500 individuals of European and African American ancestry in the NHLBI Exome Sequencing Project, indicating it is not a common benign variant in these populations. This substitution alters a well conserved position predicted to be in the intracellular loop between the S4 and S5 transmembrane segments of the fourth homologous domain. In silico analysis predicts this variant is probably damaging to the protein structure/function. Missense mutations in nearby residues (A1662V, M1664K, P1668A, A1669E, N1672H) have been reported in association with SCN1A-related disorders, supporting the functional importance of this region of the protein. In addition, a different amino acid substitution at the same position (L1667P) was previously reported as a de novo mutation in association with Dravet syndrome (Zuberi et al., 2011). However, the L1667F variant is a conservative amino acid substitution, which is not likely to impact secondary protein structure as these residues share similar properties. Therefore, this variant is a strong candidate for a pathogenic mutation, however the possibility that it is a benign variant cannot be excluded. The variant is found in INFANTV2-EPIV2-1 panel(s).